The following is an entry in ClinVar:

NM_000143.4(FH):c.1384C>T (p.His462Tyr)

Gene: FH (fumarate hydratase; minus strand). Cytogenetic location: 1q43.
Variant type: single nucleotide variant.
Coding change: c.1384C>T on transcript NM_000143.4 (MANE Select); coding-DNA position 1384, C replaced by T.
Protein change: p.His462Tyr; replaces histidine 462 with tyrosine.
Molecular consequence: missense variant.
Genome position (GRCh38, 1-based): chr1:241,500,443, G>A on the plus strand (C>T on the coding strand, the complement: FH is on the minus strand). VCF-style: chr1-241500443-G-A. GRCh37 (hg19) VCF-style: chr1-241663743-G-A.
Other names: short protein forms H462Y.
Identifiers: ClinVar variation 529805 (VCV000529805.15), dbSNP rs201625211, ClinGen allele CA40327534.

ClinVar aggregate classification (germline): Uncertain significance. Review status: criteria provided, multiple submitters, no conflicts (2 of 4 stars). 3 submissions from 3 submitters: Uncertain significance (2). 1 of the submissions does not count toward it. Last evaluated 2025-08-22.

Conditions:
Fumarase deficiency (FMRD). Also called: Fumaric aciduria; Fumarate Hydratase Deficiency. Identifiers: Orphanet 24, MedGen C0342770, MONDO:0011730, OMIM 606812.
Hereditary cancer-predisposing syndrome. Also called: Neoplastic Syndromes, Hereditary; Hereditary neoplastic syndrome; Tumor predisposition; Hereditary Cancer Syndrome. Identifiers: Orphanet 140162, MedGen C0027672, MeSH D009386, MONDO:0015356.

gnomAD v4.1: 5 of 1,613,688 alleles (0.00031%); highest among the groups gnomAD compares: Non-Finnish European, 0.00042%; no homozygotes.

Submissions (3):

Ambry Genetics
Classification: Uncertain significance for Hereditary cancer-predisposing syndrome. Last evaluated: 2025-08-22. Review status: criteria provided, single submitter. Criteria: Ambry Variant Classification Scheme 2023. Collection method: clinical testing. Allele origin: germline.
Comment: The p.H462Y variant (also known as c.1384C>T), located in coding exon 9 of the FH gene, results from a C to T substitution at nucleotide position 1384. The histidine at codon 462 is replaced by tyrosine, an amino acid with similar properties. This amino acid position is highly conserved in available vertebrate species. In addition, this alteration is predicted to be deleterious by in silico analysis. Since supporting evidence is limited at this time, the clinical significance of this alteration remains unclear.

Labcorp Genetics (formerly Invitae), Labcorp
Classification: Uncertain significance. Last evaluated: 2025-08-03. Review status: criteria provided, single submitter. Criteria: Invitae Variant Classification Sherloc (09022015). Collection method: clinical testing. Allele origin: germline.
Comment: This sequence change replaces histidine, which is basic and polar, with tyrosine, which is neutral and polar, at codon 462 of the FH protein (p.His462Tyr). This variant is not present in population databases (gnomAD no frequency). This variant has not been reported in the literature in individuals affected with FH-related conditions. ClinVar contains an entry for this variant (Variation ID: 529805). Invitae Evidence Modeling of protein sequence and biophysical properties (such as structural, functional, and spatial information, amino acid conservation, physicochemical variation, residue mobility, and thermodynamic stability) indicates that this missense variant is not expected to disrupt FH protein function with a negative predictive value of 80%. In summary, the available evidence is currently insufficient to determine the role of this variant in disease. Therefore, it has been classified as a Variant of Uncertain Significance.

Natera, Inc.
Classification: Uncertain significance for Fumarase Deficiency. Last evaluated: 2021-05-19. Review status: no assertion criteria provided. Collection method: clinical testing. Allele origin: germline. Not counted in ClinVar's aggregate classification.